The following is an entry in ClinVar:

NM_012200.4(B3GAT3):c.340G>A (p.Ala114Thr)

Gene: B3GAT3 (beta-1,3-glucuronyltransferase 3; minus strand). Cytogenetic location: 11q12.3.
Variant type: single nucleotide variant.
Coding change: c.340G>A on transcript NM_012200.4 (MANE Select); coding-DNA position 340, G replaced by A.
Protein change: p.Ala114Thr; replaces alanine 114 with threonine.
Molecular consequence: missense variant. On other transcripts: non-coding transcript variant (1).
Genome position (GRCh38, 1-based): chr11:62,617,265, C>T on the plus strand (G>A on the coding strand, the complement: B3GAT3 is on the minus strand). VCF-style: chr11-62617265-C-T. GRCh37 (hg19) VCF-style: chr11-62384737-C-T.
Other names: c.319G>A, p.Ala107Thr (NM_001288721.2); c.340G>A, p.Ala114Thr (NM_001288722.2, NM_001288723.2); short protein forms A107T, A114T.
Identifiers: ClinVar variation 2181971 (VCV002181971.4), dbSNP rs1321583145, ClinGen allele CA380977187.

ClinVar aggregate classification (germline): Uncertain significance. Review status: criteria provided, multiple submitters, no conflicts (2 of 4 stars). 2 submissions from 2 submitters: Uncertain significance (2). Last evaluated 2024-09-20.

Conditions:
Larsen-like syndrome, B3GAT3 type. Also called: Multiple joint dislocations, short stature, craniofacial dysmorphism, with or without congenital heart defects; MULTIPLE JOINT DISLOCATIONS, SHORT STATURE, AND CRANIOFACIAL DYSMORPHISM WITH OR WITHOUT CONGENITAL HEART DEFECTS. Identifiers: Orphanet 284139, MedGen CN034159, MONDO:0009511, OMIM 245600.

gnomAD v4.1: 7 of 1,613,008 alleles (0.00043%); highest among the groups gnomAD compares: South Asian, 0.0077%; no homozygotes.

Submissions (2):

Blueprint Genetics
Classification: Uncertain significance. Last evaluated: 2024-09-20. Review status: criteria provided, single submitter. Criteria: ACMG Guidelines, 2015. Collection method: clinical testing. Allele origin: germline.

Labcorp Genetics (formerly Invitae), Labcorp
Classification: Uncertain significance for Larsen-like syndrome, B3GAT3 type. Last evaluated: 2024-05-13. Review status: criteria provided, single submitter. Criteria: Invitae Variant Classification Sherloc (09022015). Collection method: clinical testing. Allele origin: germline.
Comment: This sequence change replaces alanine, which is neutral and non-polar, with threonine, which is neutral and polar, at codon 114 of the B3GAT3 protein (p.Ala114Thr). This variant is present in population databases (no rsID available, gnomAD 0.003%). This variant has not been reported in the literature in individuals affected with B3GAT3-related conditions. ClinVar contains an entry for this variant (Variation ID: 2181971). Advanced modeling of protein sequence and biophysical properties (such as structural, functional, and spatial information, amino acid conservation, physicochemical variation, residue mobility, and thermodynamic stability) performed at Invitae indicates that this missense variant is not expected to disrupt B3GAT3 protein function with a negative predictive value of 80%. In summary, the available evidence is currently insufficient to determine the role of this variant in disease. Therefore, it has been classified as a Variant of Uncertain Significance.